The following is an entry in ClinVar:

ClinVar aggregate classification (germline): Uncertain significance (1 of 4 stars; one submission).

Submission:

Labcorp Genetics (formerly Invitae), Labcorp
Classification: Uncertain significance. Last evaluated: 2022-09-13. Review status: criteria provided, single submitter. Criteria: Invitae Variant Classification Sherloc (09022015). Collection method: clinical testing. Allele origin: germline.
Comment: This sequence change falls in intron 12 of the MYO7A gene. It does not directly change the encoded amino acid sequence of the MYO7A protein. It affects a nucleotide within the consensus splice site. This variant is not present in population databases (gnomAD no frequency). This variant has not been reported in the literature in individuals affected with MYO7A-related conditions. Variants that disrupt the consensus splice site are a relatively common cause of aberrant splicing (PMID: 17576681, 9536098). Algorithms developed to predict the effect of sequence changes on RNA splicing suggest that this variant is not likely to affect RNA splicing. In summary, the available evidence is currently insufficient to determine the role of this variant in disease. Therefore, it has been classified as a Variant of Uncertain Significance.

Literature cited by the submitters: PubMed 17576681; PubMed 9536098.

NM_000260.4(MYO7A):c.1343+6G>C

Gene: MYO7A (myosin VIIA; plus strand). Cytogenetic location: 11q13.5.
Variant type: single nucleotide variant.
Coding change: c.1343+6G>C on transcript NM_000260.4 (MANE Select); 6 bases into the intron after coding-DNA position 1343, G replaced by C.
Molecular consequence: intron variant.
Genome position (GRCh38, 1-based): chr11:77,161,121, G>C. VCF-style: chr11-77161121-G-C. GRCh37 (hg19) VCF-style: chr11-76872167-G-C.
Other names: c.1310+6G>C (NM_001369365.1); c.1343+6G>C (NM_001127180.2).
Identifiers: ClinVar variation 2030305 (VCV002030305.4), dbSNP rs201886336, ClinGen allele CA2574930892.